The following is an entry in ClinVar:

ClinVar aggregate classification (germline): Uncertain significance (1 of 4 stars; one submission).

Conditions:
Hereditary cancer-predisposing syndrome. Also called: Tumor predisposition; Hereditary Cancer Syndrome; Hereditary neoplastic syndrome; Neoplastic Syndromes, Hereditary. Identifiers: Orphanet 140162, MedGen C0027672, MeSH D009386, MONDO:0015356.

Submission:

Ambry Genetics
Classification: Uncertain significance for Hereditary cancer-predisposing syndrome. Last evaluated: 2024-04-10. Review status: criteria provided, single submitter. Criteria: Ambry Variant Classification Scheme 2023. Collection method: clinical testing. Allele origin: germline.
Comment: The p.Q583H variant (also known as c.1749G>C), located in coding exon 16 of the NF2 gene, results from a G to C substitution at nucleotide position 1749. The glutamine at codon 583 is replaced by histidine, an amino acid with highly similar properties. This amino acid position is highly conserved in available vertebrate species. In addition, the in silico prediction for this alteration is inconclusive. Based on the available evidence, the clinical significance of this variant remains unclear.

NM_000268.4(NF2):c.1749G>C (p.Gln583His)

Gene: NF2 (NF2, moesin-ezrin-radixin like (MERLIN) tumor suppressor; plus strand). Cytogenetic location: 22q12.2.
Variant type: single nucleotide variant.
Coding change: c.1749G>C on transcript NM_000268.4 (MANE Select); coding-DNA position 1749, G replaced by C.
Protein change: p.Gln583His; replaces glutamine 583 with histidine.
Molecular consequence: missense variant. On other transcripts: 3 prime UTR variant (11), non-coding transcript variant (1).
Genome position (GRCh38, 1-based): chr22:29,694,763, G>C. VCF-style: chr22-29694763-G-C. GRCh37 (hg19) VCF-style: chr22-30090752-G-C.
Other names: c.1635G>C, p.Gln545His (NM_001407053.1); c.1626G>C, p.Gln542His (NM_001407054.1); c.1623G>C, p.Gln541His (NM_001407055.1); c.*21G>C (NM_001407056.1, NM_001407059.1, NM_001407065.1 and 5 more transcripts); c.1614G>C, p.Gln538His (NM_001407057.1); c.*36G>C (NM_001407058.1, NM_001407063.1, NM_181832.3); c.1586G>C, p.Arg529Thr (NM_001407060.1); c.1491G>C, p.Gln497His (NM_001407062.1); and 2 more; short protein forms Q153H, Q541H, R446T, R529T, Q497H, Q538H, Q542H, Q545H.
Identifiers: ClinVar variation 3299419 (VCV003299419.1).